The following is an entry in ClinVar:

NM_014141.6(CNTNAP2):c.3344T>C (p.Val1115Ala)

Gene: CNTNAP2 (contactin associated protein 2; plus strand). Cytogenetic location: 7q36.1.
Variant type: single nucleotide variant.
Coding change: c.3344T>C on transcript NM_014141.6 (MANE Select); coding-DNA position 3344, T replaced by C.
Protein change: p.Val1115Ala; replaces valine 1115 with alanine.
Molecular consequence: missense variant.
Genome position (GRCh38, 1-based): chr7:148,229,742, T>C. VCF-style: chr7-148229742-T-C. GRCh37 (hg19) VCF-style: chr7-147926834-T-C.
Other names: p.V1115A:GTC>GCC; short protein forms V1115A.
Identifiers: ClinVar variation 205285 (VCV000205285.35), dbSNP rs757813902, ClinGen allele CA314204.

ClinVar aggregate classification (germline): Uncertain significance. Review status: criteria provided, multiple submitters, no conflicts (2 of 4 stars). 4 submissions from 4 submitters: Uncertain significance (4). Last evaluated 2024-11-01.

Conditions:
Cortical dysplasia-focal epilepsy syndrome (PTHSL1). Also called: Pitt-Hopkins-like syndrome 1. Identifiers: Orphanet 163681, Orphanet 221150, MedGen C2750246, MONDO:0012400, OMIM 610042.

Allele frequency attached by ClinVar (database versions not stated): ExAC 0.00002; gnomAD 0.00002; gnomAD exomes 0.00002.
gnomAD v4.1: 17 of 1,614,020 alleles (0.0011%); highest among the groups gnomAD compares: South Asian, 0.015%; no homozygotes.

Submissions (4):

CeGaT Center for Human Genetics Tuebingen
Classification: Uncertain significance. Last evaluated: 2024-11-01. Review status: criteria provided, single submitter. Criteria: CeGaT Center For Human Genetics Tuebingen Variant Classification Criteria Version 2. Collection method: clinical testing. Allele origin: germline. Affected: yes. Observed: 3 variant alleles.

Labcorp Genetics (formerly Invitae), Labcorp
Classification: Uncertain significance for Cortical dysplasia-focal epilepsy syndrome. Last evaluated: 2021-08-30. Review status: criteria provided, single submitter. Criteria: Invitae Variant Classification Sherloc (09022015). Collection method: clinical testing. Allele origin: germline.
Comment: This sequence change replaces valine with alanine at codon 1115 of the CNTNAP2 protein (p.Val1115Ala). The valine residue is highly conserved and there is a small physicochemical difference between valine and alanine. The frequency data for this variant in the population databases is considered unreliable, as metrics indicate poor data quality at this position in the ExAC database. This variant has not been reported in the literature in individuals affected with CNTNAP2-related conditions. ClinVar contains an entry for this variant (Variation ID: 205285). Algorithms developed to predict the effect of missense changes on protein structure and function (SIFT, PolyPhen-2, Align-GVGD) all suggest that this variant is likely to be disruptive. In summary, the available evidence is currently insufficient to determine the role of this variant in disease. Therefore, it has been classified as a Variant of Uncertain Significance.

GeneDx
Classification: Uncertain significance. Last evaluated: 2020-02-06. Review status: criteria provided, single submitter. Criteria: GeneDx Variant Classification Process June 2021. Collection method: clinical testing. Allele origin: germline. Affected: yes.
Comment: In silico analysis supports that this missense variant has a deleterious effect on protein structure/function; Has not been previously published as pathogenic or benign to our knowledge

Blueprint Genetics
Classification: Uncertain significance. Last evaluated: 2019-09-29. Review status: criteria provided, single submitter. Criteria: ACMG Guidelines, 2015. Collection method: clinical testing. Allele origin: germline.